The following is an entry in ClinVar:

ClinVar aggregate classification (germline): Benign (1 of 4 stars; one submission).

Submission:

Laboratory for Molecular Medicine, Mass General Brigham Personalized Medicine
Classification: Benign. Last evaluated: 2016-03-28. Review status: criteria provided, single submitter. Criteria: LMM Criteria. Collection method: clinical testing. Allele origin: germline.
Comment: Variant identified in a genome or exome case(s) and assessed due to predicted null impact of the variant or pathogenic assertions in the literature or databases. Disclaimer: This variant has not undergone full assessment. The following are preliminary notes: Frequency

NM_002263.4(KIFC1):c.*15_*16dup

Gene: KIFC1 (kinesin family member C1; plus strand). Cytogenetic location: 6p21.32.
Variant type: Insertion.
Coding change: c.*15_*16dup on transcript NM_002263.4 (MANE Select); 15 bases downstream of the stop codon through 16 bases downstream of the stop codon, 2 bases duplicated (CT; older notation c.*15_*16dupCT).
Molecular consequence: 3 prime UTR variant.
Genome position (GRCh38, 1-based): chr6:33,409,705-33,409,706, CT duplicated; duplicating any 2 consecutive bases within chr6:33,409,704-33,409,706 gives the same sequence; the c. name uses the placement nearest the transcript's 3' end. VCF-style (leftmost placement, unchanged base first): chr6-33409703-A-ATC. GRCh37 (hg19) VCF-style: chr6-33377480-A-ATC.
Identifiers: ClinVar variation 403017 (VCV000403017.4), dbSNP rs752059822, ClinGen allele CA3757501.